The following is an entry in ClinVar:

ClinVar aggregate classification (germline): Uncertain significance (1 of 4 stars; one submission).

Submission:

Labcorp Genetics (formerly Invitae), Labcorp
Classification: Uncertain significance. Last evaluated: 2025-03-11. Review status: criteria provided, single submitter. Criteria: Invitae Variant Classification Sherloc (09022015). Collection method: clinical testing. Allele origin: germline.
Comment: This sequence change replaces aspartic acid, which is acidic and polar, with histidine, which is basic and polar, at codon 18 of the GATA5 protein (p.Asp18His). This variant is not present in population databases (gnomAD no frequency). This variant has not been reported in the literature in individuals affected with GATA5-related conditions. An algorithm developed to predict the effect of missense changes on protein structure and function (PolyPhen-2) suggests that this variant is likely to be disruptive. In summary, the available evidence is currently insufficient to determine the role of this variant in disease. Therefore, it has been classified as a Variant of Uncertain Significance.

NM_080473.5(GATA5):c.52G>C (p.Asp18His)

Gene: GATA5 (GATA binding protein 5; minus strand). Cytogenetic location: 20q13.33.
Variant type: single nucleotide variant.
Coding change: c.52G>C on transcript NM_080473.5 (MANE Select); coding-DNA position 52, G replaced by C.
Protein change: p.Asp18His; replaces aspartic acid 18 with histidine.
Molecular consequence: missense variant.
Genome position (GRCh38, 1-based): chr20:62,475,470, C>G on the plus strand (G>C on the coding strand, the complement: GATA5 is on the minus strand). VCF-style: chr20-62475470-C-G. GRCh37 (hg19) VCF-style: chr20-61050526-C-G.
Other names: short protein forms D18H.
Identifiers: ClinVar variation 4714863 (VCV004714863.1).